The following is an entry in ClinVar:

NM_003128.3(SPTBN1):c.3311A>G (p.His1104Arg)

Gene: SPTBN1 (spectrin beta, non-erythrocytic 1; plus strand). Cytogenetic location: 2p16.2.
Variant type: single nucleotide variant.
Coding change: c.3311A>G on transcript NM_003128.3 (MANE Select); coding-DNA position 3311, A replaced by G.
Protein change: p.His1104Arg; replaces histidine 1104 with arginine.
Molecular consequence: missense variant.
Genome position (GRCh38, 1-based): chr2:54,631,358, A>G. VCF-style: chr2-54631358-A-G. GRCh37 (hg19) VCF-style: chr2-54858495-A-G.
Other names: c.3272A>G, p.His1091Arg (NM_178313.3); short protein forms H1091R, H1104R.
Identifiers: ClinVar variation 2443648 (VCV002443648.2), dbSNP rs2549530129, ClinGen allele CA346890328.

ClinVar aggregate classification (germline): Uncertain significance (1 of 4 stars; one submission).

Submission:

GeneDx
Classification: Uncertain significance. Last evaluated: 2023-05-17. Review status: criteria provided, single submitter. Criteria: GeneDx Variant Classification Process June 2021. Collection method: clinical testing. Allele origin: germline. Affected: yes.
Comment: Not observed at significant frequency in large population cohorts (gnomAD); In silico analysis supports that this missense variant has a deleterious effect on protein structure/function; Has not been previously published as pathogenic or benign to our knowledge